The following is an entry in ClinVar:

NM_000243.3(MEFV):c.277+1G>A

Gene: MEFV (MEFV innate immunity regulator, pyrin; minus strand). Cytogenetic location: 16p13.3.
Variant type: single nucleotide variant.
Coding change: c.277+1G>A on transcript NM_000243.3 (MANE Select); the canonical splice donor site of the intron after coding-DNA position 277, G replaced by A.
Molecular consequence: splice donor variant.
Genome position (GRCh38, 1-based): chr16:3,256,310, C>T on the plus strand (G>A on the coding strand, the complement: MEFV is on the minus strand). VCF-style: chr16-3256310-C-T. GRCh37 (hg19) VCF-style: chr16-3306310-C-T.
Other names: c.277+1G>A (NM_001198536.2).
Identifiers: ClinVar variation 2181901 (VCV002181901.4), dbSNP rs1328913013, ClinGen allele CA394483244.
Genomic context (GRCh38, chr16:3,256,310, plus strand): 5'-CCTTTCCCACAAAGCAGCCAGCACTCAGCACTGGATGAGGAGGAGGCCTGGGCCCGCTTA[C>T]CCTGAATGGCTGCCCTGTGGAGCTCCTCGGCCAGCAGGCGCTGGTTGATGGCCCGCAGGA-3'

ClinVar aggregate classification (germline): Uncertain significance (1 of 4 stars; one submission).

Conditions:
Familial Mediterranean fever (FMF). Also called: POLYSEROSITIS, FAMILIAL PAROXYSMAL; POLYSEROSITIS, RECURRENT; Periodic peritonitis; Benign paroxysmal peritonitis. Identifiers: Orphanet 342, MedGen C0031069, MONDO:0018088, OMIM 249100. Disease mechanism: gain of function.

Allele frequency attached by ClinVar (database versions not stated): gnomAD 0.00001; TOPMed below 0.00001; gnomAD exomes below 0.00001.
gnomAD v4.1: 3 of 1,613,474 alleles (0.00019%); highest among the groups gnomAD compares: Non-Finnish European, 0.00025%; no homozygotes.

Submission:

Labcorp Genetics (formerly Invitae), Labcorp
Classification: Uncertain significance for Familial Mediterranean fever. Last evaluated: 2022-06-01. Review status: criteria provided, single submitter. Criteria: Invitae Variant Classification Sherloc (09022015). Collection method: clinical testing. Allele origin: germline.
Comment: This sequence change affects a donor splice site in intron 1 of the MEFV gene. It is expected to disrupt RNA splicing. Variants that disrupt the donor or acceptor splice site typically lead to a loss of protein function (PMID: 16199547), however the current clinical and genetic evidence is not sufficient to establish whether loss-of-function variants in MEFV cause disease. This variant is present in population databases (no rsID available, gnomAD 0.0009%). This variant has not been reported in the literature in individuals affected with MEFV-related conditions. Algorithms developed to predict the effect of sequence changes on RNA splicing suggest that this variant may disrupt the consensus splice site. In summary, the available evidence is currently insufficient to determine the role of this variant in disease. Therefore, it has been classified as a Variant of Uncertain Significance.

Literature cited by the submitters: PubMed 16199547.